The following is an entry in ClinVar:

ClinVar aggregate classification (germline): Uncertain significance (1 of 4 stars; one submission).

gnomAD v4.1: 1 of 1,614,196 alleles (0.000062%); no homozygotes.

Submission:

Labcorp Genetics (formerly Invitae), Labcorp
Classification: Uncertain significance. Last evaluated: 2025-06-01. Review status: criteria provided, single submitter. Criteria: Invitae Variant Classification Sherloc (09022015). Collection method: clinical testing. Allele origin: germline.
Comment: This sequence change replaces threonine, which is neutral and polar, with isoleucine, which is neutral and non-polar, at codon 292 of the SIAE protein (p.Thr292Ile). This variant is not present in population databases (gnomAD no frequency). This variant has not been reported in the literature in individuals affected with SIAE-related conditions. An algorithm developed to predict the effect of missense changes on protein structure and function (PolyPhen-2) suggests that this variant is likely to be disruptive. In summary, the available evidence is currently insufficient to determine the role of this variant in disease. Therefore, it has been classified as a Variant of Uncertain Significance.

NM_170601.5(SIAE):c.875C>T (p.Thr292Ile)

Gene: SIAE (sialic acid acetylesterase; minus strand). Cytogenetic location: 11q24.2.
Variant type: single nucleotide variant.
Coding change: c.875C>T on transcript NM_170601.5 (MANE Select); coding-DNA position 875, C replaced by T.
Protein change: p.Thr292Ile; replaces threonine 292 with isoleucine.
Molecular consequence: missense variant.
Genome position (GRCh38, 1-based): chr11:124,647,456, G>A on the plus strand (C>T on the coding strand, the complement: SIAE is on the minus strand). VCF-style: chr11-124647456-G-A. GRCh37 (hg19) VCF-style: chr11-124517352-G-A.
Other names: c.770C>T, p.Thr257Ile (NM_001199922.2); short protein forms T292I, T257I.
Identifiers: ClinVar variation 4779817 (VCV004779817.1).